The following is an entry in ClinVar:

ClinVar aggregate classification (germline): Pathogenic/Likely pathogenic. Review status: criteria provided, multiple submitters, no conflicts (2 of 4 stars). 2 submissions from 2 submitters: Pathogenic (1); Likely pathogenic (1). Last evaluated 2026-04-15.

Conditions:
Arrhythmogenic cardiomyopathy with wooly hair and keratoderma. Also called: PALMOPLANTAR KERATODERMA WITH LEFT VENTRICULAR CARDIOMYOPATHY AND WOOLLY HAIR; Carvajal syndrome; Dilated cardiomyopathy with woolly hair and keratoderma; Arrhythmogenic cardiomyopathy with woolly hair and keratoderma. Identifiers: Orphanet 65282, MedGen C1854063, MONDO:0011581, OMIM 605676.
Arrhythmogenic right ventricular dysplasia 8 (ARVD8). Also called: ARRHYTHMOGENIC RIGHT VENTRICULAR DYSPLASIA, FAMILIAL, 8; ARRHYTHMOGENIC RIGHT VENTRICULAR CARDIOMYOPATHY 8; Arrhythmogenic Right Ventricular Dysplasia/Cardiomyopathy 8. Identifiers: MedGen C1843896, MONDO:0011831, OMIM 607450.

Submissions (2):

Dasa
Classification: Likely pathogenic. Last evaluated: 2026-04-15. Review status: criteria provided, single submitter. Criteria: DASA Assertion Criteria. Collection method: clinical testing. Allele origin: germline.
Comment: NM_004415.4(DSP):c.4076_4106del (p.Ile1359Argfs*27) is a frameshift variant in DSP predicted to alter the reading frame and introduce a premature termination codon and is predicted to result in an absent or altered protein product. Loss of function is an established disease mechanism for DSP (PMID: 31514951; PMID: 27532257; PMID: 24503780). Also, this variant is absent from population databases. Based on the currently available evidence, this variant is classified as likely pathogenic.

Labcorp Genetics (formerly Invitae), Labcorp
Classification: Pathogenic for Arrhythmogenic cardiomyopathy with wooly hair and keratoderma; Arrhythmogenic right ventricular dysplasia 8. Last evaluated: 2022-05-05. Review status: criteria provided, single submitter. Criteria: Invitae Variant Classification Sherloc (09022015). Collection method: clinical testing. Allele origin: germline.
Comment: This variant is not present in population databases (gnomAD no frequency). For these reasons, this variant has been classified as Pathogenic. This variant has not been reported in the literature in individuals affected with DSP-related conditions. This sequence change creates a premature translational stop signal (p.Ile1359Argfs*27) in the DSP gene. It is expected to result in an absent or disrupted protein product. Loss-of-function variants in DSP are known to be pathogenic (PMID: 20716751, 24503780, 25227139).

Literature cited by the submitters: PubMed 31514951 (cited by Dasa); PubMed 27532257 (cited by Dasa); PubMed 24503780 (cited by Dasa and Labcorp Genetics (formerly Invitae), Labcorp); PubMed 20716751 (cited by Labcorp Genetics (formerly Invitae), Labcorp); PubMed 25227139 (cited by Labcorp Genetics (formerly Invitae), Labcorp).

NM_004415.4(DSP):c.4076_4106del (p.Ile1359fs)

Gene: DSP (desmoplakin; plus strand). Cytogenetic location: 6p24.3.
Variant type: Deletion.
Coding change: c.4076_4106del on transcript NM_004415.4 (MANE Select); coding-DNA positions 4076 to 4106, 31 bases deleted.
Protein change: p.Ile1359fs; shifts the reading frame from isoleucine 1359.
Molecular consequence: frameshift variant. On other transcripts: intron variant (2).
Genome position (GRCh38, 1-based): chr6:7,580,266-7,580,296, 31 bases deleted; deleting any 31 consecutive bases within chr6:7,580,264-7,580,296 gives the same sequence; the c. name uses the placement nearest the transcript's 3' end. GRCh37 (hg19): chr6:7,580,499-7,580,529.
Other names: c.4050+26_4050+56del (NM_001319034.2); c.3582+494_3582+524del (NM_001008844.3); short protein forms I1359fs.
Identifiers: ClinVar variation 1964246 (VCV001964246.7), dbSNP rs2533927331, ClinGen allele CA2580075414.